The following is an entry in ClinVar:

ClinVar aggregate classification (germline): Pathogenic. Review status: criteria provided, multiple submitters, no conflicts (2 of 4 stars). 2 submissions from 2 submitters: Pathogenic (2). Last evaluated 2024-04-16.

Conditions:
Fanconi anemia (FA). Also called: Fanconi's anemia. Identifiers: Orphanet 84, MedGen C0015625, MeSH D005199, MONDO:0019391.

Submissions (2):

Labcorp Genetics (formerly Invitae), Labcorp
Classification: Pathogenic for Fanconi anemia. Last evaluated: 2024-04-16. Review status: criteria provided, single submitter. Criteria: Invitae Variant Classification Sherloc (09022015). Collection method: clinical testing. Allele origin: germline.
Comment: This sequence change creates a premature translational stop signal (p.Phe1545Serfs*7) in the FANCM gene. It is expected to result in an absent or disrupted protein product. Loss-of-function variants in FANCM are known to be pathogenic (PMID: 29895858, 30075111). This variant is not present in population databases (gnomAD no frequency). This variant has not been reported in the literature in individuals affected with FANCM-related conditions. ClinVar contains an entry for this variant (Variation ID: 818070). For these reasons, this variant has been classified as Pathogenic.

GeneDx
Classification: Pathogenic. Last evaluated: 2019-03-13. Review status: criteria provided, single submitter. Criteria: GeneDx Variant Classification (06012015). Collection method: clinical testing. Allele origin: germline. Affected: yes.
Comment: The c.4634_4637delTTTTins48 variant in the FANCM gene has not been reported previously as a pathogenic variant nor as a benign variant, to our knowledge. The c.4634_4637delTTTTins48 variant causes a frameshift starting with codon Phenylalanine 1545, changes this amino acid to a Serine residue, and creates a premature Stop codon at position 7 of the new reading frame, denoted p.Phe1545SerfsX7. This variant is predicted to cause loss of normal protein function either through protein truncation or nonsense-mediated mRNA decay. The c.4634_4637delTTTTins48 variant is not observed in large population cohorts (Lek et al., 2016). We interpret c.4634_4637delTTTTins48 as a likely pathogenic variant.

Literature cited by the submitters: PubMed 29895858 (cited by Labcorp Genetics (formerly Invitae), Labcorp); PubMed 30075111 (cited by Labcorp Genetics (formerly Invitae), Labcorp).

NM_020937.4(FANCM):c.4634_4637delinsCAACTTTCCTCATTACTTGACTCAACATTACTTGACTCAACTCAACTC (p.Phe1545_Leu1546delinsSerThrPheLeuIleThrTer)

Gene: FANCM (FA complementation group M; plus strand). Cytogenetic location: 14q21.2.
Variant type: Indel.
Coding change: c.4634_4637delinsCAACTTTCCTCATTACTTGACTCAACATTACTTGACTCAACTCAACTC on transcript NM_020937.4 (MANE Select); coding-DNA positions 4634 to 4637, the reference bases replaced by an inserted sequence.
Protein change: p.Phe1545_Leu1546delinsSerThrPheLeuIleThrTer.
Molecular consequence: nonsense.
Genome position (GRCh38, 1-based): chr14:45,185,335-45,185,338, 4 bases replaced. GRCh37 (hg19): chr14:45,654,538-45,654,541.
Other names: c.4556_4559delinsCAACTTTCCTCATTACTTGACTCAACATTACTTGACTCAACTCAACTC, p.Phe1519_Leu1520delinsSerThrPheLeuIleThrTer (NM_001308133.2).
Identifiers: ClinVar variation 818070 (VCV000818070.5), dbSNP rs1594810654, ClinGen allele CA915948921.